The following is an entry in ClinVar:

NM_025074.7(FRAS1):c.10494C>T (p.Thr3498=)

Gene: FRAS1 (Fraser extracellular matrix complex subunit 1; plus strand). Cytogenetic location: 4q21.21.
Variant type: single nucleotide variant.
Coding change: c.10494C>T on transcript NM_025074.7 (MANE Select); coding-DNA position 10494, C replaced by T.
Protein change: p.Thr3498=; no amino-acid change (threonine 3498 retained).
Molecular consequence: synonymous variant.
Genome position (GRCh38, 1-based): chr4:78,519,435, C>T. VCF-style: chr4-78519435-C-T. GRCh37 (hg19) VCF-style: chr4-79440589-C-T.
Other names: p.Thr3498=.
Identifiers: ClinVar variation 349802 (VCV000349802.14), dbSNP rs149604281, ClinGen allele CA2978978.

ClinVar aggregate classification (germline): Benign. Review status: criteria provided, multiple submitters, no conflicts (2 of 4 stars). 4 submissions from 4 submitters: Benign (4). Last evaluated 2026-02-04.

Conditions:
Fraser syndrome 1 (FRASRS1). Also called: CRYPTOPHTHALMOS WITH OTHER MALFORMATIONS. Identifiers: Orphanet 2052, MedGen C4551480, MONDO:0054737, OMIM 219000.

Allele frequency attached by ClinVar (database versions not stated): gnomAD 0.01195; 1000 Genomes Project 30x 0.01421; 1000 Genomes Project 0.01478; TOPMed 0.01574; ESP Exome Variant Server 0.01899; gnomAD exomes 0.01965 and 0.02241; ExAC 0.02057.
gnomAD v4.1: 35,432 of 1,611,910 alleles (2.2%); highest among the groups gnomAD compares: Middle Eastern, 3.8%; 502 homozygotes.

Submissions (4):

Labcorp Genetics (formerly Invitae), Labcorp
Classification: Benign. Last evaluated: 2026-02-04. Review status: criteria provided, single submitter. Criteria: Invitae Variant Classification Sherloc (09022015). Collection method: clinical testing. Allele origin: germline.

Mayo Clinic Laboratories, Mayo Clinic
Classification: Benign. Last evaluated: 2023-01-24. Review status: criteria provided, single submitter. Criteria: ACMG Guidelines, 2015. Collection method: clinical testing. Allele origin: germline. Observed: 2 variant alleles.

Illumina Laboratory Services, Illumina
Classification: Benign for Fraser syndrome 1. Last evaluated: 2018-01-13. Review status: criteria provided, single submitter. Criteria: ICSL Variant Classification Criteria 13 December 2019. Collection method: clinical testing. Allele origin: germline.
Comment: This variant was observed in the ICSL laboratory as part of a predisposition screen in an ostensibly healthy population. It had not been previously curated by ICSL or reported in the Human Gene Mutation Database (HGMD: prior to June 1st, 2018), and was therefore a candidate for classification through an automated scoring system. Utilizing variant allele frequency, disease prevalence and penetrance estimates, and inheritance mode, an automated score was calculated to assess if this variant is too frequent to cause the disease. Based on the score and internal cut-off values, a variant classified as benign is not then subjected to further curation. The score for this variant resulted in a classification of benign for this disease.

Breakthrough Genomics
Classification: Benign. Review status: criteria provided, single submitter. Criteria: ACMG Guidelines, 2015. Collection method: not provided. Allele origin: germline. Inheritance: Autosomal recessive inheritance. Affected: yes.